The following is an entry in ClinVar:

NM_001267550.2(TTN):c.17845A>G (p.Ser5949Gly)

Gene: TTN (titin; minus strand). Cytogenetic location: 2q31.2.
Variant type: single nucleotide variant.
Coding change: c.17845A>G on transcript NM_001267550.2 (MANE Select); coding-DNA position 17845, A replaced by G.
Protein change: p.Ser5949Gly; replaces serine 5949 with glycine.
Molecular consequence: missense variant. On other transcripts: intron variant (3).
Genome position (GRCh38, 1-based): chr2:178,730,688, T>C on the plus strand (A>G on the coding strand, the complement: TTN is on the minus strand). VCF-style: chr2-178730688-T-C. GRCh37 (hg19) VCF-style: chr2-179595415-T-C.
Other names: c.16894A>G, p.Ser5632Gly (NM_001256850.1); c.14113A>G, p.Ser4705Gly (NM_133378.4); c.13282+7394A>G (NM_003319.4); c.13858+7394A>G (NM_133437.4); c.13657+7394A>G (NM_133432.3); short protein forms S4705G, S5632G, S5949G.
Identifiers: ClinVar variation 3767051 (VCV003767051.1).

ClinVar aggregate classification (germline): Uncertain significance (1 of 4 stars; one submission).

Submission:

ARUP Laboratories, Molecular Genetics and Genomics, ARUP Laboratories
Classification: Uncertain significance. Last evaluated: 2024-05-13. Review status: criteria provided, single submitter. Criteria: ARUP Molecular Germline Variant Investigation Process 2024. Collection method: clinical testing. Allele origin: germline.
Comment: The TTN c.17845A>G; p.Ser5949Gly variant (rs368275231) is rare in the general population (<0.2% allele frequency in the Genome Aggregation Database) and has not been reported in the medical literature in association with dilated cardiomyopathy (DCM) or other TTN-related disease. The clinical relevance of rare missense variants in this gene, which are identified on average once per individual sequenced in affected populations (Herman 2012), is not well understood. Yet, evidence suggests that the vast majority of such missense variants do not contribute to the clinical outcome of DCM (Begay 2015). Thus, the clinical significance of the p.Ser5949Gly variant cannot be determined with certainty.